The following is an entry in ClinVar:

ClinVar aggregate classification (germline): Uncertain significance (1 of 4 stars; one submission).

Allele frequency attached by ClinVar (database versions not stated): TOPMed 0.00014; ESP Exome Variant Server 0.00015; 1000 Genomes Project 30x 0.00016; ExAC 0.00014; 1000 Genomes Project 0.00020.

Submission:

Labcorp Genetics (formerly Invitae), Labcorp
Classification: Uncertain significance. Last evaluated: 2025-06-19. Review status: criteria provided, single submitter. Criteria: Invitae Variant Classification Sherloc (09022015). Collection method: clinical testing. Allele origin: germline.
Comment: This sequence change replaces arginine, which is basic and polar, with tryptophan, which is neutral and slightly polar, at codon 157 of the KRT16 protein (p.Arg157Trp). This variant is present in population databases (rs139139482, gnomAD 0.03%). This variant has not been reported in the literature in individuals affected with KRT16-related conditions. ClinVar contains an entry for this variant (Variation ID: 2720988). Invitae Evidence Modeling of protein sequence and biophysical properties (such as structural, functional, and spatial information, amino acid conservation, physicochemical variation, residue mobility, and thermodynamic stability) indicates that this missense variant is not expected to disrupt KRT16 protein function with a negative predictive value of 95%. In summary, the available evidence is currently insufficient to determine the role of this variant in disease. Therefore, it has been classified as a Variant of Uncertain Significance.

NM_005557.4(KRT16):c.469C>T (p.Arg157Trp)

Gene: KRT16 (keratin 16; minus strand). Cytogenetic location: 17q21.2.
Variant type: single nucleotide variant.
Coding change: c.469C>T on transcript NM_005557.4 (MANE Select); coding-DNA position 469, C replaced by T.
Protein change: p.Arg157Trp; replaces arginine 157 with tryptophan.
Molecular consequence: missense variant.
Genome position (GRCh38, 1-based): chr17:41,612,220, G>A on the plus strand (C>T on the coding strand, the complement: KRT16 is on the minus strand). VCF-style: chr17-41612220-G-A. GRCh37 (hg19) VCF-style: chr17-39768472-G-A.
Other names: short protein forms R157W.
Identifiers: ClinVar variation 2720988 (VCV002720988.3), dbSNP rs139139482, ClinGen allele CA8563262.